The following is an entry in ClinVar:

ClinVar aggregate classification (germline): Uncertain significance (1 of 4 stars; one submission).

Conditions:
Polyglucosan body myopathy type 1 (PGBM1). Also called: Polyglucosan body myopathy 1 with or without immunodeficiency; POLYGLUCOSAN BODY MYOPATHY WITHOUT IMMUNODEFICIENCY. Identifiers: Orphanet 329173, Orphanet 397937, MedGen C4014605, MONDO:0014389, OMIM 615895.

Submission:

Labcorp Genetics (formerly Invitae), Labcorp
Classification: Uncertain significance for Polyglucosan body myopathy type 1. Last evaluated: 2025-11-03. Review status: criteria provided, single submitter. Criteria: Invitae Variant Classification Sherloc (09022015). Collection method: clinical testing. Allele origin: germline.
Comment: This sequence change replaces lysine, which is basic and polar, with arginine, which is basic and polar, at codon 6 of the RBCK1 protein (p.Lys6Arg). This variant is not present in population databases (gnomAD no frequency). This variant has not been reported in the literature in individuals affected with RBCK1-related conditions. An algorithm developed to predict the effect of missense changes on protein structure and function (PolyPhen-2) suggests that this variant is likely to be tolerated. In summary, the available evidence is currently insufficient to determine the role of this variant in disease. Therefore, it has been classified as a Variant of Uncertain Significance.

NM_031229.4(RBCK1):c.17A>G (p.Lys6Arg)

Gene: RBCK1 (RANBP2-type and C3HC4-type zinc finger containing 1; plus strand). Cytogenetic location: 20p13.
Variant type: single nucleotide variant.
Coding change: c.17A>G on transcript NM_031229.4 (MANE Select); coding-DNA position 17, A replaced by G.
Protein change: p.Lys6Arg; replaces lysine 6 with arginine.
Molecular consequence: missense variant. On other transcripts: 5 prime UTR variant (2), synonymous variant (1), non-coding transcript variant (1).
Genome position (GRCh38, 1-based): chr20:408,774, A>G. VCF-style: chr20-408774-A-G. GRCh37 (hg19) VCF-style: chr20-389418-A-G.
Other names: c.-333A>G (NM_001323956.2); c.-188A>G (NM_001323958.2); c.17A>G, p.Lys6Arg (NM_001323960.2, NM_001410770.1); c.36A>G, p.Gln12= (NM_006462.6); short protein forms K6R.
Identifiers: ClinVar variation 4808340 (VCV004808340.1).
Genomic context (GRCh38, chr20:408,774, plus strand): 5'-AGGAGGCACGGTCCCCCCCAGGGGGATGGGCACAGCCACGCCAGATGGACGAGAAGACCA[A>G]GAAAGGTGGGCACAGGCTGGAGGTGGCTGGGGAACTTCCGGTGGGAAGTGGGCCCCGCAG-3'
Protein context (NP_112506.2, residues 1-16): MDEKT[Lys6Arg]KAEEMALSLT